The following is an entry in ClinVar:

ClinVar aggregate classification (germline): Uncertain significance (1 of 4 stars; one submission).

Conditions:
Autosomal recessive limb-girdle muscular dystrophy type R18 (LGMDR18). Also called: MUSCULAR DYSTROPHY, LIMB-GIRDLE, AUTOSOMAL RECESSIVE 18; Autosomal recessive limb-girdle muscular dystrophy type 2S; Limb-girdle muscular dystrophy, type 2S. Identifiers: Orphanet 369840, MedGen C4517996, MONDO:0014144, OMIM 615356.

gnomAD v4.1: 67 of 1,613,568 alleles (0.0042%); highest among the groups gnomAD compares: Non-Finnish European, 0.0053%; no homozygotes.

Submission:

Labcorp Genetics (formerly Invitae), Labcorp
Classification: Uncertain significance for Autosomal recessive limb-girdle muscular dystrophy type R18. Last evaluated: 2021-07-06. Review status: criteria provided, single submitter. Criteria: Invitae Variant Classification Sherloc (09022015). Collection method: clinical testing. Allele origin: germline.
Comment: This sequence change replaces threonine with lysine at codon 1072 of the TRAPPC11 protein (p.Thr1072Lys). The threonine residue is moderately conserved and there is a moderate physicochemical difference between threonine and lysine. This variant is present in population databases (rs147061560, ExAC 0.001%). This variant has not been reported in the literature in individuals affected with TRAPPC11-related conditions. Algorithms developed to predict the effect of missense changes on protein structure and function are either unavailable or do not agree on the potential impact of this missense change (SIFT: "Tolerated"; PolyPhen-2: "Probably Damaging"; Align-GVGD: "Class C0"). Algorithms developed to predict the effect of sequence changes on RNA splicing suggest that this variant may create or strengthen a splice site. In summary, the available evidence is currently insufficient to determine the role of this variant in disease. Therefore, it has been classified as a Variant of Uncertain Significance.

NM_021942.6(TRAPPC11):c.3215C>A (p.Thr1072Lys)

Gene: TRAPPC11 (trafficking protein particle complex subunit 11; plus strand). Cytogenetic location: 4q35.1.
Variant type: single nucleotide variant.
Coding change: c.3215C>A on transcript NM_021942.6 (MANE Select); coding-DNA position 3215, C replaced by A.
Protein change: p.Thr1072Lys; replaces threonine 1072 with lysine.
Molecular consequence: missense variant. On other transcripts: intron variant (1).
Genome position (GRCh38, 1-based): chr4:183,708,432, C>A. VCF-style: chr4-183708432-C-A. GRCh37 (hg19) VCF-style: chr4-184629585-C-A.
Other names: c.3199+16C>A (NM_199053.3); short protein forms T1072K.
Identifiers: ClinVar variation 1400664 (VCV001400664.8), dbSNP rs147061560, ClinGen allele CA3152481.
Genomic context (GRCh38, chr4:183,708,432, plus strand): 5'-TTGATTATCTTTCTCTGTGACTTTTTATGATGCAGATTCGATTACGTATCCTCCCTGGCA[C>A]GGAGCAGGAAATGCTATATAATTTCTATCCTCTGATGGCTGGATACCAGCAGCTGCCATC-3'
Protein context (NP_068761.4, residues 1062-1082): KQIRLRILPG[Thr1072Lys]EQEMLYNFYP